The following is an entry in ClinVar:

ClinVar aggregate classification (germline): Uncertain significance (1 of 4 stars; one submission).

Conditions:
Combined immunodeficiency due to LRBA deficiency. Also called: Common variable immunodeficiency 8, with autoimmunity. Identifiers: Orphanet 445018, MedGen C3553512, MONDO:0013863, OMIM 614700.

Allele frequency attached by ClinVar (database versions not stated): gnomAD exomes 0.00001 and 0.00002.
gnomAD v4.1: 12 of 1,614,120 alleles (0.00074%); highest among the groups gnomAD compares: Admixed American, 0.017%; no homozygotes.

Submission:

Labcorp Genetics (formerly Invitae), Labcorp
Classification: Uncertain significance for Combined immunodeficiency due to LRBA deficiency. Last evaluated: 2025-03-25. Review status: criteria provided, single submitter. Criteria: Invitae Variant Classification Sherloc (09022015). Collection method: clinical testing. Allele origin: germline.
Comment: This sequence change replaces methionine, which is neutral and non-polar, with valine, which is neutral and non-polar, at codon 2827 of the LRBA protein (p.Met2827Val). This variant is present in population databases (no rsID available, gnomAD 0.02%). This missense change has been observed in individual(s) with myelin oligodendrocyte glycoprotein antibody-associated disease (PMID: 35960392). ClinVar contains an entry for this variant (Variation ID: 954329). Invitae Evidence Modeling of protein sequence and biophysical properties (such as structural, functional, and spatial information, amino acid conservation, physicochemical variation, residue mobility, and thermodynamic stability) indicates that this missense variant is not expected to disrupt LRBA protein function with a negative predictive value of 80%. In summary, the available evidence is currently insufficient to determine the role of this variant in disease. Therefore, it has been classified as a Variant of Uncertain Significance.

Literature cited by the submitters: PubMed 35960392.

NM_001364905.1(LRBA):c.8446A>G (p.Met2816Val)

Gene: LRBA (LPS responsive beige-like anchor protein; minus strand). Cytogenetic location: 4q31.3.
Variant type: single nucleotide variant.
Coding change: c.8446A>G on transcript NM_001364905.1 (MANE Select); coding-DNA position 8446, A replaced by G.
Protein change: p.Met2816Val; replaces methionine 2816 with valine.
Molecular consequence: missense variant.
Genome position (GRCh38, 1-based): chr4:150,277,875, T>C on the plus strand (A>G on the coding strand, the complement: LRBA is on the minus strand). VCF-style: chr4-150277875-T-C. GRCh37 (hg19) VCF-style: chr4-151199027-T-C.
Other names: c.8443A>G, p.Met2815Val (NM_001199282.3); c.8461A>G, p.Met2821Val (NM_001367550.1); c.8479A>G, p.Met2827Val (NM_006726.5); short protein forms M2821V, M2815V, M2816V, M2827V.
Identifiers: ClinVar variation 954329 (VCV000954329.7), dbSNP rs1276578449, ClinGen allele CA358438453.
Genomic context (GRCh38, chr4:150,277,875, plus strand): 5'-TTGAAACCCCTATTTGTAGCCCATGATTCCAGTGTTACCTCTGGTCGTAAGACAGCGCCA[T>C]GGCCCGGATTCCAGCGTCACATCCTGGATAGGCAAAGAGCTGCTTGAGGTCCGACACCTG-3'
Protein context (NP_001351834.1, residues 2806-2826): YPGCDAGIRA[Met2816Val]ALSYDQRCII